The following is an entry in ClinVar:

ClinVar aggregate classification (germline): Conflicting classifications of pathogenicity. Review status: criteria provided, conflicting classifications (1 of 4 stars). 4 submissions from 4 submitters: Uncertain significance (3); Benign (1). Last evaluated 2026-07-03.

Conditions:
SETX-related disorder. Also called: SETX-related condition; SETX-related disorders. Identifiers: MedGen CN239403.
Hereditary spastic paraplegia. Also called: Familial spastic paraparesis. Identifiers: Orphanet 685, MedGen C0037773, MONDO:0019064. Disease mechanism: loss of function.
Amyotrophic lateral sclerosis type 4 (ALS4). Also called: AMYOTROPHIC LATERAL SCLEROSIS 4, JUVENILE; NEURONOPATHY, DISTAL HEREDITARY MOTOR, WITH PYRAMIDAL FEATURES. Identifiers: Orphanet 357043, MedGen C1865409, MONDO:0011223, OMIM 602433.
Spinocerebellar ataxia, autosomal recessive, with axonal neuropathy 2 (SCAN2). Also called: Ataxia-ocular apraxia-2; Ataxia with Oculomotor Apraxia; Ataxia with Oculomotor Apraxia Type 2; ATAXIA-OCULOMOTOR APRAXIA 2. Identifiers: Orphanet 64753, MedGen C1853761, MONDO:0018996, OMIM 606002.

Allele frequency attached by ClinVar (database versions not stated): gnomAD exomes below 0.00001 and 0.00001; ExAC 0.00001; gnomAD 0.00001; TOPMed 0.00001; ESP Exome Variant Server 0.00008.
gnomAD v4.1: 8 of 1,613,934 alleles (0.0005%); highest among the groups gnomAD compares: African/African-American, 0.0053%; no homozygotes.

Submissions (4):

PreventionGenetics, part of Exact Sciences
Classification: Uncertain significance for SETX-related condition. Last evaluated: 2026-07-03. Review status: criteria provided, single submitter. Criteria: ACMG Guidelines, 2015. Collection method: clinical testing. Allele origin: germline.
Comment: The SETX c.2711A>G variant is predicted to result in the amino acid substitution p.Asn904Ser. To our knowledge, this variant has not been reported in the literature. This variant is reported in 0.0062% of alleles in individuals of African descent in gnomAD. At this time, the clinical significance of this variant is uncertain due to the absence of conclusive functional and genetic evidence.

Labcorp Genetics (formerly Invitae), Labcorp
Classification: Benign for Amyotrophic lateral sclerosis type 4; Spinocerebellar ataxia, autosomal recessive, with axonal neuropathy 2. Last evaluated: 2024-12-08. Review status: criteria provided, single submitter. Criteria: Invitae Variant Classification Sherloc (09022015). Collection method: clinical testing. Allele origin: germline.

Athena Diagnostics
Classification: Uncertain significance. Last evaluated: 2023-01-06. Review status: criteria provided, single submitter. Criteria: Athena Diagnostics Criteria. Collection method: clinical testing. Allele origin: unknown.
Comment: Available data are insufficient to determine the clinical significance of the variant at this time. The frequency of this variant in the general population is uninformative in assessment of its pathogenicity. Computational tools predict that this variant is not damaging.

Genome Diagnostics Laboratory, The Hospital for Sick Children
Classification: Uncertain significance for Hereditary spastic paraplegia. Last evaluated: 2020-10-21. Review status: criteria provided, single submitter. Criteria: ACMG Guidelines, 2015. Collection method: clinical testing. Allele origin: germline. Affected: yes.

NM_015046.7(SETX):c.2711A>G (p.Asn904Ser)

Gene: SETX (senataxin; minus strand). Cytogenetic location: 9q34.13.
Variant type: single nucleotide variant.
Coding change: c.2711A>G on transcript NM_015046.7 (MANE Select); coding-DNA position 2711, A replaced by G.
Protein change: p.Asn904Ser; replaces asparagine 904 with serine.
Molecular consequence: missense variant.
Genome position (GRCh38, 1-based): chr9:132,328,887, T>C on the plus strand (A>G on the coding strand, the complement: SETX is on the minus strand). VCF-style: chr9-132328887-T-C. GRCh37 (hg19) VCF-style: chr9-135204274-T-C.
Other names: c.2711A>G, p.Asn904Ser (NM_001351527.2, NM_001351528.2); short protein forms N904S.
Identifiers: ClinVar variation 1344014 (VCV001344014.7), dbSNP rs143265750, ClinGen allele CA5297548.
Genomic context (GRCh38, chr9:132,328,887, plus strand): 5'-TCTCTTGATTCAGGTACAGTCATAAGATCTTTAAAGGGAGATGATTTCTTCTCTGAAGCA[T>C]TGGTCATTTCTGTAAAAGGGATCAATTCTTTACCATCAACATGAAATTCCTGTATTTTAC-3'
Protein context (NP_055861.3, residues 894-914): KELIPFTEMT[Asn904Ser]ASEKKSSPFK